The following is an entry in ClinVar:

NM_182699.4(DDX53):c.1601ATG[1] (p.Asp535del)

Genes: PTCHD1-AS (PTCHD1 and PHEX antisense RNA; minus strand), DDX53 (DEAD-box helicase 53; plus strand). Cytogenetic location: Xp22.11.
Variant type: Microsatellite.
Coding change: c.1601ATG[1] on transcript NM_182699.4 (MANE Select); one copy of the 3-base unit ATG starting at c.1601; the reference has two copies in a row; one copy, 3 bases deleted.
Protein change: p.Asp535del; deletes aspartic acid 535.
Genome position (GRCh38, 1-based): chrX:23,001,661-23,001,663, ATG deleted; deleting any 3 consecutive bases within chrX:23,001,658-23,001,663 gives the same sequence; the position shown is the placement nearest the transcript's 3' end. VCF-style (leftmost placement, unchanged base first): chrX-23001657-AATG-A. GRCh37 (hg19) VCF-style: chrX-23019774-AATG-A.
Other names: short protein forms D535del.
Identifiers: ClinVar variation 4087904 (VCV004087904.1).

ClinVar aggregate classification (germline): Uncertain significance (1 of 4 stars; one submission).

Submission:

GeneDx
Classification: Uncertain significance. Last evaluated: 2025-03-26. Review status: criteria provided, single submitter. Criteria: GeneDx Variant Classification Process June 2021. Collection method: clinical testing. Allele origin: germline. Affected: yes.
Comment: Not observed at significant frequency in large population cohorts (gnomAD); In-frame deletion of 1 amino acid(s) in a non-repeat region; In silico analysis supports a deleterious effect on protein structure/function; Has not been previously published as pathogenic or benign to our knowledge